The following is an entry in ClinVar:

NM_016507.4(CDK12):c.405A>C (p.Glu135Asp)

Genes: CDK12 (cyclin dependent kinase 12; plus strand), LOC126862553 (CDK7 strongly-dependent group 2 enhancer GRCh37_chr17:37618166-37619365; plus strand). Cytogenetic location: 17q12.
Variant type: single nucleotide variant.
Coding change: c.405A>C on transcript NM_016507.4 (MANE Select); coding-DNA position 405, A replaced by C.
Protein change: p.Glu135Asp; replaces glutamic acid 135 with aspartic acid.
Molecular consequence: missense variant.
Genome position (GRCh38, 1-based): chr17:39,462,476, A>C. VCF-style: chr17-39462476-A-C. GRCh37 (hg19) VCF-style: chr17-37618729-A-C.
Other names: c.405A>C, p.Glu135Asp (NM_015083.4); short protein forms E135D.
Identifiers: ClinVar variation 3830712 (VCV003830712.1).
Genomic context (GRCh38, chr17:39,462,476, plus strand): 5'-GCACAGGCGTTCCCGGGACTTACTAAAAGCTAAACAGACCGAAAAAGAAAAAAGCCAAGA[A>C]GTCTCCAGCAAGTCGGGATCGATGAAGGACCGGATATCGGGAAGTTCAAAGCGTTCGAAT-3'
Protein context (NP_057591.2, residues 125-145): AKQTEKEKSQ[Glu135Asp]VSSKSGSMKD

ClinVar aggregate classification (germline): Uncertain significance (1 of 4 stars; one submission).

gnomAD v4.1: 1 of 1,614,006 alleles (0.000062%); highest among the groups gnomAD compares: East Asian, 0.0022%; no homozygotes.

Submission:

Ambry Genetics
Classification: Uncertain significance. Last evaluated: 2025-02-24. Review status: criteria provided, single submitter. Criteria: Ambry Variant Classification Scheme 2023. Collection method: clinical testing. Allele origin: germline.
Comment: The p.E135D variant (also known as c.405A>C), located in coding exon 1 of the CDK12 gene, results from an A to C substitution at nucleotide position 405. The glutamic acid at codon 135 is replaced by aspartic acid, an amino acid with highly similar properties. This amino acid position is conserved. In addition, this alteration is predicted to be tolerated by in silico analysis. Based on the available evidence, the clinical significance of this variant remains unclear.